The following is an entry in ClinVar:

ClinVar aggregate classification (germline): Uncertain significance (1 of 4 stars; one submission).

Conditions:
Hypertrophic cardiomyopathy 1 (CMH1). Also called: Familial hypertrophic cardiomyopathy 1; MYH7-Related Familial Hypertrophic Cardiomyopathy. Identifiers: MedGen C3495498, MONDO:0008647, OMIM 192600.

Allele frequency attached by ClinVar (database versions not stated): gnomAD 0.00001; gnomAD exomes 0.00001; TOPMed 0.00001.
gnomAD v4.1: 9 of 1,609,078 alleles (0.00056%); highest among the groups gnomAD compares: Non-Finnish European, 0.00068%; no homozygotes.

Submission:

Labcorp Genetics (formerly Invitae), Labcorp
Classification: Uncertain significance for Hypertrophic cardiomyopathy 1. Last evaluated: 2018-06-01. Review status: criteria provided, single submitter. Criteria: Invitae Variant Classification Sherloc (09022015). Collection method: clinical testing. Allele origin: germline.
Comment: In summary, the available evidence is currently insufficient to determine the role of this variant in disease. Therefore, it has been classified as a Variant of Uncertain Significance. Algorithms developed to predict the effect of missense changes on protein structure and function output the following: SIFT: "Tolerated"; PolyPhen-2: "Benign"; Align-GVGD: "Class C0". The threonine amino acid residue is found in multiple mammalian species, suggesting that this missense change does not adversely affect protein function. These predictions have not been confirmed by published functional studies and their clinical significance is uncertain. This variant has not been reported in the literature in individuals with MYLK2-related disease. This variant is not present in population databases (ExAC no frequency). This sequence change replaces alanine with threonine at codon 137 of the MYLK2 protein (p.Ala137Thr). The alanine residue is weakly conserved and there is a small physicochemical difference between alanine and threonine.

NM_033118.4(MYLK2):c.409G>A (p.Ala137Thr)

Gene: MYLK2 (myosin light chain kinase 2; plus strand). Cytogenetic location: 20q11.21.
Variant type: single nucleotide variant.
Coding change: c.409G>A on transcript NM_033118.4 (MANE Select); coding-DNA position 409, G replaced by A.
Protein change: p.Ala137Thr; replaces alanine 137 with threonine.
Molecular consequence: missense variant.
Genome position (GRCh38, 1-based): chr20:31,820,482, G>A. VCF-style: chr20-31820482-G-A. GRCh37 (hg19) VCF-style: chr20-30408285-G-A.
Other names: short protein forms A137T.
Identifiers: ClinVar variation 978529 (VCV000978529.8), dbSNP rs1278523169, ClinGen allele CA408525539.
Genomic context (GRCh38, chr20:31,820,482, plus strand): 5'-GCCTCAGGCAGCCAGGATCCTGGAAAGCCCAGGGTGGGCAAGAAGGCAGCAGAGGGCCAA[G>A]CAGCAGCCAGGAGGGGCTCACCTGCCTTTCTGCATAGCCCCAGCTGTCCTGCCATCATCT-3'
Protein context (NP_149109.1, residues 127-147): RVGKKAAEGQ[Ala137Thr]AARRGSPAFL